The following is an entry in ClinVar:

ClinVar aggregate classification (germline): Uncertain significance (1 of 4 stars; one submission).

Conditions:
Developmental and epileptic encephalopathy, 21 (DEE21). Also called: Early infantile epileptic encephalopathy 21. Identifiers: Orphanet 442835, MedGen C4014430, MONDO:0014360, OMIM 615833.

Allele frequency attached by ClinVar (database versions not stated): gnomAD exomes below 0.00001; TOPMed below 0.00001; gnomAD 0.00001.
gnomAD v4.1: 12 of 1,614,166 alleles (0.00074%); highest among the groups gnomAD compares: East Asian, 0.0045%; no homozygotes.

Submission:

Labcorp Genetics (formerly Invitae), Labcorp
Classification: Uncertain significance for Developmental and epileptic encephalopathy, 21. Last evaluated: 2022-02-04. Review status: criteria provided, single submitter. Criteria: Invitae Variant Classification Sherloc (09022015). Collection method: clinical testing. Allele origin: germline.
Comment: This sequence change replaces serine, which is neutral and polar, with tyrosine, which is neutral and polar, at codon 218 of the NECAP1 protein (p.Ser218Tyr). This variant is present in population databases (rs371472296, gnomAD 0.005%). This variant has not been reported in the literature in individuals affected with NECAP1-related conditions. Algorithms developed to predict the effect of missense changes on protein structure and function are either unavailable or do not agree on the potential impact of this missense change (SIFT: "Deleterious"; PolyPhen-2: "Possibly Damaging"; Align-GVGD: "Class C0"). In summary, the available evidence is currently insufficient to determine the role of this variant in disease. Therefore, it has been classified as a Variant of Uncertain Significance.

NM_015509.4(NECAP1):c.653C>A (p.Ser218Tyr)

Gene: NECAP1 (NECAP endocytosis associated 1; plus strand). Cytogenetic location: 12p13.31.
Variant type: single nucleotide variant.
Coding change: c.653C>A on transcript NM_015509.4 (MANE Select); coding-DNA position 653, C replaced by A.
Protein change: p.Ser218Tyr; replaces serine 218 with tyrosine.
Molecular consequence: missense variant. On other transcripts: non-coding transcript variant (1).
Genome position (GRCh38, 1-based): chr12:8,093,032, C>A. VCF-style: chr12-8093032-C-A. GRCh37 (hg19) VCF-style: chr12-8245628-C-A.
Other names: short protein forms S218Y.
Identifiers: ClinVar variation 1408179 (VCV001408179.5), dbSNP rs371472296, ClinGen allele CA232564147.